The following is an entry in ClinVar:

ClinVar aggregate classification (germline): Uncertain significance (1 of 4 stars; one submission).

Conditions:
Hereditary cancer-predisposing syndrome. Also called: Tumor predisposition; Hereditary Cancer Syndrome; Neoplastic Syndromes, Hereditary; Hereditary neoplastic syndrome. Identifiers: Orphanet 140162, MedGen C0027672, MeSH D009386, MONDO:0015356.

Submission:

Ambry Genetics
Classification: Uncertain significance for Hereditary cancer-predisposing syndrome. Last evaluated: 2019-02-11. Review status: criteria provided, single submitter. Criteria: Ambry Variant Classification Scheme 2023. Collection method: clinical testing. Allele origin: germline.
Comment: The p.P30R variant (also known as c.89C>G), located in coding exon 1 of the RAD50 gene, results from a C to G substitution at nucleotide position 89. The proline at codon 30 is replaced by arginine, an amino acid with dissimilar properties. This amino acid position is highly conserved in available vertebrate species. In addition, this alteration is predicted to be deleterious by in silico analysis. Since supporting evidence is limited at this time, the clinical significance of this alteration remains unclear.

NM_005732.4(RAD50):c.89C>G (p.Pro30Arg)

Gene: RAD50 (RAD50 double strand break repair protein; plus strand). Cytogenetic location: 5q31.1.
Variant type: single nucleotide variant.
Coding change: c.89C>G on transcript NM_005732.4 (MANE Select); coding-DNA position 89, C replaced by G.
Protein change: p.Pro30Arg; replaces proline 30 with arginine.
Molecular consequence: missense variant.
Genome position (GRCh38, 1-based): chr5:132,557,413, C>G. VCF-style: chr5-132557413-C-G. GRCh37 (hg19) VCF-style: chr5-131893105-C-G.
Other names: short protein forms P30R.
Identifiers: ClinVar variation 822882 (VCV000822882.4), dbSNP rs1229919059, ClinGen allele CA360951564.
Genomic context (GRCh38, chr5:132,557,413, plus strand): 5'-TGGGCGTGCGGAGTTTTGGAATAGAGGACAAAGATAAGCAAATTATCACTTTCTTCAGCC[C>G]CCTTACAATTTTGGTTGGACCCAATGGGGCGGGAAAGACGGTAAGTCTTCAGTAGCCGCC-3'
Protein context (NP_005723.2, residues 20-40): KDKQIITFFS[Pro30Arg]LTILVGPNGA